The following is an entry in ClinVar:

NM_001368067.1(LDB3):c.817G>A (p.Gly273Ser)

Gene: LDB3 (LIM domain binding 3; plus strand). Cytogenetic location: 10q23.2.
Variant type: single nucleotide variant.
Coding change: c.817G>A on transcript NM_001368067.1 (MANE Plus Clinical); coding-DNA position 817, G replaced by A.
Protein change: p.Gly273Ser; replaces glycine 273 with serine.
Molecular consequence: missense variant. On other transcripts: intron variant (6).
Genome position (GRCh38, 1-based): chr10:86,699,339, G>A. VCF-style: chr10-86699339-G-A. GRCh37 (hg19) VCF-style: chr10-88459096-G-A.
Other names: c.958G>A, p.Gly320Ser (NM_001080115.2, NM_001368063.1); c.817G>A, p.Gly273Ser (NM_001080116.1, NM_001368068.1); c.1162G>A, p.Gly388Ser (NM_001171611.2); c.896+6768G>A (NM_001368064.1, NM_007078.3, NM_001368065.1); c.1100+6768G>A (NM_001171610.2); c.755+6768G>A (NM_001368066.1, NM_001080114.2); short protein forms G273S, G320S, G388S.
Identifiers: ClinVar variation 532930 (VCV000532930.14), dbSNP rs771037817, ClinGen allele CA5584982.
Genomic context (GRCh38, chr10:86,699,339, plus strand): 5'-GAAAGGTTTGAAACGGAACGTAACAGCCCACGTTTTGCCAAATTGCGCAACTGGCACCAT[G>A]GCCTTTCAGCCCAAATCCTTAATGTTAAAAGCTAAAAGGCTGCCTGGAATCCCCCCACCC-3'
Protein context (NP_001354996.1, residues 263-283): RFAKLRNWHH[Gly273Ser]LSAQILNVKS

ClinVar aggregate classification (germline): Uncertain significance. Review status: criteria provided, multiple submitters, no conflicts (2 of 4 stars). 3 submissions from 3 submitters: Uncertain significance (3). Last evaluated 2025-11-24.

Conditions:
Myofibrillar myopathy 4. Also called: Zaspopathy (type). Identifiers: Orphanet 98912, MedGen C4721886, MONDO:0012277, OMIM 609452.

Allele frequency attached by ClinVar (database versions not stated): TOPMed 0.00002; gnomAD 0.00003.

Submissions (3):

Labcorp Genetics (formerly Invitae), Labcorp
Classification: Uncertain significance for Myofibrillar myopathy 4. Last evaluated: 2025-11-24. Review status: criteria provided, single submitter. Criteria: Invitae Variant Classification Sherloc (09022015). Collection method: clinical testing. Allele origin: germline.
Comment: This sequence change replaces glycine, which is neutral and non-polar, with serine, which is neutral and polar, at codon 273 of the LDB3 protein (p.Gly273Ser). This variant is present in population databases (rs771037817, gnomAD 0.07%). This variant has not been reported in the literature in individuals affected with LDB3-related conditions. ClinVar contains an entry for this variant (Variation ID: 532930). An algorithm developed to predict the effect of missense changes on protein structure and function (PolyPhen-2) suggests that this variant is likely to be disruptive. In summary, the available evidence is currently insufficient to determine the role of this variant in disease. Therefore, it has been classified as a Variant of Uncertain Significance.

Revvity Omics, Revvity
Classification: Uncertain significance. Last evaluated: 2023-05-10. Review status: criteria provided, single submitter. Criteria: ACMG Guidelines, 2015. Collection method: clinical testing. Allele origin: germline.

GeneDx
Classification: Uncertain significance. Last evaluated: 2019-07-23. Review status: criteria provided, single submitter. Criteria: GeneDx Variant Classification Process June 2021. Collection method: clinical testing. Allele origin: germline. Affected: yes.
Comment: Has not been previously published as pathogenic or benign to our knowledge; Reported in ClinVar as a variant of uncertain significance (ClinVar Variant ID# 532930; Landrum et al., 2016); In silico analysis, which includes protein predictors and evolutionary conservation, supports that this variant does not alter protein structure/function